The following is an entry in ClinVar:

NM_033004.4(NLRP1):c.2142C>G (p.His714Gln)

Gene: NLRP1 (NLR family pyrin domain containing 1; minus strand). Cytogenetic location: 17p13.2.
Variant type: single nucleotide variant.
Coding change: c.2142C>G on transcript NM_033004.4 (MANE Select); coding-DNA position 2142, C replaced by G.
Protein change: p.His714Gln; replaces histidine 714 with glutamine.
Molecular consequence: missense variant.
Genome position (GRCh38, 1-based): chr17:5,558,554, G>C on the plus strand (C>G on the coding strand, the complement: NLRP1 is on the minus strand). VCF-style: chr17-5558554-G-C. GRCh37 (hg19) VCF-style: chr17-5461874-G-C.
Other names: c.2142C>G, p.His714Gln (NM_001033053.3, NM_014922.5, NM_033006.4 and 1 more transcripts); short protein forms H714Q.
Identifiers: ClinVar variation 1101403 (VCV001101403.41), dbSNP rs147100948, ClinGen allele CA8327247.

ClinVar aggregate classification (germline): Conflicting classifications of pathogenicity. Review status: criteria provided, conflicting classifications (1 of 4 stars). 3 submissions from 3 submitters: Uncertain significance (1); Likely benign (2). Last evaluated 2026-01-26.

Allele frequency attached by ClinVar (database versions not stated): ExAC 0.00014; gnomAD exomes 0.00015 and 0.00023; gnomAD 0.00016; TOPMed 0.00018; ESP Exome Variant Server 0.00031.

Submissions (3):

Labcorp Genetics (formerly Invitae), Labcorp
Classification: Likely benign. Last evaluated: 2026-01-26. Review status: criteria provided, single submitter. Criteria: Invitae Variant Classification Sherloc (09022015). Collection method: clinical testing. Allele origin: germline.

Blueprint Genetics
Classification: Likely benign. Last evaluated: 2024-10-23. Review status: criteria provided, single submitter. Criteria: ACMG Guidelines, 2015. Collection method: clinical testing. Allele origin: germline.

CeGaT Center for Human Genetics Tuebingen
Classification: Uncertain significance. Last evaluated: 2022-03-01. Review status: criteria provided, single submitter. Criteria: CeGaT Center For Human Genetics Tuebingen Variant Classification Criteria Version 2. Collection method: clinical testing. Allele origin: germline. Affected: yes. Observed: 1 variant allele.
Comment: NLRP1: PM2, BP4